The following is an entry in ClinVar:

NM_000414.4(HSD17B4):c.1352del (p.Lys451fs)

Gene: HSD17B4 (hydroxysteroid 17-beta dehydrogenase 4; plus strand). Cytogenetic location: 5q23.1.
Variant type: Deletion.
Coding change: c.1352del on transcript NM_000414.4 (MANE Select); coding-DNA position 1352, one base deleted (A; older notation c.1352delA).
Protein change: p.Lys451fs; shifts the reading frame from lysine 451.
Molecular consequence: frameshift variant. On other transcripts: non-coding transcript variant (2).
Genome position (GRCh38, 1-based): chr5:119,509,159, A deleted; the last of 2 consecutive A bases (chr5:119,509,158-119,509,159); deleting either gives the same sequence. VCF-style (leftmost placement, unchanged base first): chr5-119509157-GA-G. GRCh37 (hg19) VCF-style: chr5-118844852-GA-G.
Other names: c.1427del, p.Lys476fs (NM_001199291.3); c.1298del, p.Lys433fs (NM_001199292.2); c.1280del, p.Lys427fs (NM_001292027.2, NM_001374498.1); c.932del, p.Lys311fs (NM_001292028.2); c.1343del, p.Lys448fs (NM_001374497.1); c.1025del, p.Lys342fs (NM_001374499.1); c.911del, p.Lys304fs (NM_001374500.1); c.941del, p.Lys314fs (NM_001374501.1, NM_001374502.1, NM_001374503.1); short protein forms K304fs, K427fs, K448fs, K314fs, K342fs, K433fs, K476fs, K311fs.
Identifiers: ClinVar variation 854726 (VCV000854726.7), dbSNP rs1751933402, ClinGen allele CA916082751.

ClinVar aggregate classification (germline): Pathogenic (1 of 4 stars; one submission).

Conditions:
Bifunctional peroxisomal enzyme deficiency (DBIF). Also called: D-bifunctional protein deficiency; DBP DEFICIENCY; PBFE DEFICIENCY. Identifiers: Orphanet 300, MedGen C0342870, MONDO:0009855, OMIM 261515. Disease mechanism: loss of function.
Perrault syndrome. Also called: Gonadal dysgenesis with auditory dysfunction, autosomal recessive inheritance. Identifiers: Orphanet 2855, MedGen C0685838, MONDO:0017312.

Submission:

Labcorp Genetics (formerly Invitae), Labcorp
Classification: Pathogenic for Perrault syndrome; Bifunctional peroxisomal enzyme deficiency. Last evaluated: 2019-11-29. Review status: criteria provided, single submitter. Criteria: Invitae Variant Classification Sherloc (09022015). Collection method: clinical testing. Allele origin: germline.
Comment: Loss-of-function variants in HSD17B4 are known to be pathogenic (PMID: 11810648, 16385454). For these reasons, this variant has been classified as Pathogenic. This variant has not been reported in the literature in individuals with HSD17B4-related conditions. This variant is not present in population databases (ExAC no frequency). This sequence change creates a premature translational stop signal (p.Lys451Argfs*30) in the HSD17B4 gene. It is expected to result in an absent or disrupted protein product.

Literature cited by the submitters: PubMed 11810648; PubMed 16385454.